The following is an entry in ClinVar:

ClinVar aggregate classification (germline): Uncertain significance (1 of 4 stars; one submission).

Conditions:
Cardiovascular phenotype. Identifiers: MedGen CN230736.

Submission:

Ambry Genetics
Classification: Uncertain significance for Cardiovascular phenotype. Last evaluated: 2021-09-07. Review status: criteria provided, single submitter. Criteria: Ambry Variant Classification Scheme 2023. Collection method: clinical testing. Allele origin: germline.
Comment: The p.G336S variant (also known as c.1006G>A), located in coding exon 8 of the ABCA1 gene, results from a G to A substitution at nucleotide position 1006. The glycine at codon 336 is replaced by serine, an amino acid with similar properties. This amino acid position is conserved. In addition, this alteration is predicted to be tolerated by in silico analysis. Since supporting evidence is limited at this time, the clinical significance of this alteration remains unclear.

NM_005502.4(ABCA1):c.1006G>A (p.Gly336Ser)

Gene: ABCA1 (ATP binding cassette subfamily A member 1; minus strand). Cytogenetic location: 9q31.1.
Variant type: single nucleotide variant.
Coding change: c.1006G>A on transcript NM_005502.4 (MANE Select); coding-DNA position 1006, G replaced by A.
Protein change: p.Gly336Ser; replaces glycine 336 with serine.
Molecular consequence: missense variant.
Genome position (GRCh38, 1-based): chr9:104,840,327, C>T on the plus strand (G>A on the coding strand, the complement: ABCA1 is on the minus strand). VCF-style: chr9-104840327-C-T. GRCh37 (hg19) VCF-style: chr9-107602608-C-T.
Other names: short protein forms G336S.
Identifiers: ClinVar variation 1785514 (VCV001785514.2), dbSNP rs2538209758, ClinGen allele CA374328916.
Genomic context (GRCh38, chr9:104,840,327, plus strand): 5'-ATGGACACTCACTTGTAGAGTTGTCATAGAAGGTTTCAGCATCTTCCTCAGTGCCATTGC[C>T]TCCAAAGAGGGCTTTGTAGTTGTTGTCCTCATACCAGTTGAGAGACTTGATCTTCAGCCC-3'
Protein context (NP_005493.2, residues 326-346): EDNNYKALFG[Gly336Ser]NGTEEDAETF